The following is an entry in ClinVar:

NM_173598.6(KSR2):c.1720A>G (p.Ile574Val)

Gene: KSR2 (kinase suppressor of ras 2; minus strand). Cytogenetic location: 12q24.22.
Variant type: single nucleotide variant.
Coding change: c.1720A>G on transcript NM_173598.6 (MANE Select); coding-DNA position 1720, A replaced by G.
Protein change: p.Ile574Val; replaces isoleucine 574 with valine.
Molecular consequence: missense variant.
Genome position (GRCh38, 1-based): chr12:117,531,675, T>C on the plus strand (A>G on the coding strand, the complement: KSR2 is on the minus strand). VCF-style: chr12-117531675-T-C. GRCh37 (hg19) VCF-style: chr12-117969480-T-C.
Other names: c.1633A>G (NM_173598.4); short protein forms I574V.
Identifiers: ClinVar variation 1990427 (VCV001990427.7), dbSNP rs763152539, ClinGen allele CA6815938.

ClinVar aggregate classification (germline): Uncertain significance. Review status: criteria provided, multiple submitters, no conflicts (2 of 4 stars). 3 submissions from 3 submitters: Uncertain significance (3). Last evaluated 2026-01-16.

Conditions:
KSR2-related disorder. Also called: KSR2-related condition.

Allele frequency attached by ClinVar (database versions not stated): gnomAD exomes below 0.00001; ExAC 0.00001; gnomAD 0.00001; TOPMed 0.00005.
gnomAD v4.1: 3 of 1,604,118 alleles (0.00019%); highest among the groups gnomAD compares: African/African-American, 0.0027%; no homozygotes.

Submissions (3):

PreventionGenetics, part of Exact Sciences
Classification: Uncertain significance for KSR2-related condition. Last evaluated: 2026-01-16. Review status: criteria provided, single submitter. Criteria: ACMG Guidelines, 2015. Collection method: clinical testing. Allele origin: germline.
Comment: The KSR2 c.1633A>G variant is predicted to result in the amino acid substitution p.Ile545Val. To our knowledge, this variant has not been reported in the literature. This variant is reported in 0.0068% of alleles in individuals of African descent in gnomAD. At this time, the clinical significance of this variant is uncertain due to the absence of conclusive functional and genetic evidence.

Labcorp Genetics (formerly Invitae), Labcorp
Classification: Uncertain significance. Last evaluated: 2025-11-23. Review status: criteria provided, single submitter. Criteria: Invitae Variant Classification Sherloc (09022015). Collection method: clinical testing. Allele origin: germline.
Comment: This sequence change replaces isoleucine, which is neutral and non-polar, with valine, which is neutral and non-polar, at codon 545 of the KSR2 protein (p.Ile545Val). This variant is present in population databases (rs763152539, gnomAD 0.007%). This variant has not been reported in the literature in individuals affected with KSR2-related conditions. ClinVar contains an entry for this variant (Variation ID: 1990427). An algorithm developed to predict the effect of missense changes on protein structure and function (PolyPhen-2) suggests that this variant is likely to be disruptive. In summary, the available evidence is currently insufficient to determine the role of this variant in disease. Therefore, it has been classified as a Variant of Uncertain Significance.

Ambry Genetics
Classification: Uncertain significance. Last evaluated: 2025-04-02. Review status: criteria provided, single submitter. Criteria: Ambry Variant Classification Scheme 2023. Collection method: clinical testing. Allele origin: germline.